The following is an entry in ClinVar:

NM_002109.6(HARS1):c.1495A>T (p.Lys499Ter)

Gene: HARS1 (histidyl-tRNA synthetase 1; minus strand). Cytogenetic location: 5q31.3.
Variant type: single nucleotide variant.
Coding change: c.1495A>T on transcript NM_002109.6 (MANE Select); coding-DNA position 1495, A replaced by T.
Protein change: p.Lys499Ter; replaces lysine 499 with a stop codon.
Molecular consequence: nonsense.
Genome position (GRCh38, 1-based): chr5:140,674,292, T>A on the plus strand (A>T on the coding strand, the complement: HARS1 is on the minus strand). VCF-style: chr5-140674292-T-A. GRCh37 (hg19) VCF-style: chr5-140053877-T-A.
Other names: c.1375A>T, p.Lys459Ter (NM_001258040.3); c.1435A>T, p.Lys479Ter (NM_001258041.3); c.1315A>T, p.Lys439Ter (NM_001258042.3); c.1273A>T, p.Lys425Ter (NM_001289092.2); c.1153A>T, p.Lys385Ter (NM_001289093.2); c.1408A>T, p.Lys470Ter (NM_001289094.2); short protein forms K385*, K425*, K479*, K499*, K470*, K439*, K459*.
Identifiers: ClinVar variation 2811598 (VCV002811598.3), dbSNP rs2481227267, ClinGen allele CA361245569.

ClinVar aggregate classification (germline): Uncertain significance (1 of 4 stars; one submission).

Conditions:
Usher syndrome type 3B. Also called: USHER SYNDROME, TYPE IIIB. Identifiers: MedGen C3281066, MONDO:0013788, OMIM 614504.

Submission:

Labcorp Genetics (formerly Invitae), Labcorp
Classification: Uncertain significance for Usher syndrome type 3B. Last evaluated: 2022-11-02. Review status: criteria provided, single submitter. Criteria: Invitae Variant Classification Sherloc (09022015). Collection method: clinical testing. Allele origin: germline.
Comment: This sequence change creates a premature translational stop signal (p.Lys499*) in the HARS gene. While this is not anticipated to result in nonsense mediated decay, it is expected to disrupt the last 11 amino acid(s) of the HARS protein. In summary, the available evidence is currently insufficient to determine the role of this variant in disease. Therefore, it has been classified as a Variant of Uncertain Significance. Experimental studies and prediction algorithms are not available or were not evaluated, and the functional significance of this variant is currently unknown. This variant has not been reported in the literature in individuals affected with HARS-related conditions. This variant is not present in population databases (gnomAD no frequency).